The following is an entry in ClinVar:

ClinVar aggregate classification (germline): Uncertain significance (1 of 4 stars; one submission).

Conditions:
Diamond-Blackfan anemia. Also called: Blackfan Diamond syndrome; Aregenerative anemia chronic congenital; Red cell aplasia, pure hereditary; Congenital hypoplastic anemia; Aase syndrome. Identifiers: Orphanet 124, MedGen C1260899, MeSH D029503, MONDO:0015253, HP:0004810.
GATA binding protein 1 related thrombocytopenia with dyserythropoiesis. Also called: GATA1-Related Cytopenia; GATA1-Related X-Linked Cytopenia. Identifiers: MedGen C1845837, MONDO:0100089.

Submission:

Labcorp Genetics (formerly Invitae), Labcorp
Classification: Uncertain significance for GATA binding protein 1 related thrombocytopenia with dyserythropoiesis; Diamond-Blackfan anemia. Last evaluated: 2023-09-27. Review status: criteria provided, single submitter. Criteria: Invitae Variant Classification Sherloc (09022015). Collection method: clinical testing. Allele origin: germline.
Comment: In summary, the available evidence is currently insufficient to determine the role of this variant in disease. Therefore, it has been classified as a Variant of Uncertain Significance. Variants that disrupt the consensus splice site are a relatively common cause of aberrant splicing (PMID: 17576681, 9536098). Algorithms developed to predict the effect of sequence changes on RNA splicing suggest that this variant is not likely to affect RNA splicing. This variant has not been reported in the literature in individuals affected with GATA1-related conditions. This variant is not present in population databases (gnomAD no frequency). This sequence change falls in intron 2 of the GATA1 gene. It does not directly change the encoded amino acid sequence of the GATA1 protein. It affects a nucleotide within the consensus splice site.

Literature cited by the submitters: PubMed 17576681; PubMed 9536098.

NM_002049.4(GATA1):c.220+5C>T

Gene: GATA1 (GATA binding protein 1; plus strand). Cytogenetic location: Xp11.23.
Variant type: single nucleotide variant.
Coding change: c.220+5C>T on transcript NM_002049.4 (MANE Select); 5 bases into the intron after coding-DNA position 220, C replaced by T.
Molecular consequence: intron variant.
Genome position (GRCh38, 1-based): chrX:48,791,334, C>T. VCF-style: chrX-48791334-C-T. GRCh37 (hg19) VCF-style: chrX-48649741-C-T.
Identifiers: ClinVar variation 2952312 (VCV002952312.3), dbSNP rs2519343920, ClinGen allele CA2693649394.